The following is an entry in ClinVar:

ClinVar aggregate classification (germline): Uncertain significance (1 of 4 stars; one submission).

Submission:

Ambry Genetics
Classification: Uncertain significance. Last evaluated: 2022-07-11. Review status: criteria provided, single submitter. Criteria: Ambry Variant Classification Scheme 2023. Collection method: clinical testing. Allele origin: germline.
Comment: The p.R138K variant (also known as c.413G>A), located in coding exon 1 of the EGLN2 gene, results from a G to A substitution at nucleotide position 413. The arginine at codon 138 is replaced by lysine, an amino acid with highly similar properties. This amino acid position is conserved. In addition, this alteration is predicted to be tolerated by in silico analysis. Since supporting evidence is limited at this time, the clinical significance of this alteration remains unclear.

NM_080732.4(EGLN2):c.413G>A (p.Arg138Lys)

Genes: EGLN2 (egl-9 family hypoxia inducible factor 2; plus strand), RAB4B-EGLN2 (RAB4B-EGLN2 readthrough (NMD candidate); plus strand). Cytogenetic location: 19q13.2.
Variant type: single nucleotide variant.
Coding change: c.413G>A on transcript NM_080732.4 (MANE Select); coding-DNA position 413, G replaced by A.
Protein change: p.Arg138Lys; replaces arginine 138 with lysine.
Molecular consequence: missense variant. On other transcripts: non-coding transcript variant (1).
Genome position (GRCh38, 1-based): chr19:40,800,985, G>A. VCF-style: chr19-40800985-G-A. GRCh37 (hg19) VCF-style: chr19-41306890-G-A.
Other names: c.413G>A, p.Arg138Lys (NM_053046.4); short protein forms R138K.
Identifiers: ClinVar variation 1738145 (VCV001738145.2), dbSNP rs2515994028, ClinGen allele CA405955196.